The following is an entry in ClinVar:

ClinVar aggregate classification (germline): Uncertain significance. Review status: criteria provided, multiple submitters, no conflicts (2 of 4 stars). 5 submissions from 5 submitters: Uncertain significance (4). 1 of the submissions does not count toward it. Last evaluated 2025-04-10.

Conditions:
Inborn genetic diseases. Identifiers: MedGen C0950123, MeSH D030342.
Mucopolysaccharidosis, MPS-III-C (MPS3C). Also called: SANFILIPPO SYNDROME C; mucopolysaccharidosis type 3C; Mucopolysaccharidosis type IIIC (Sanfilippo C); MPS IIIC (Sanfilippo Syndrome Type C); MUCOPOLYSACCHARIDOSIS, TYPE IIIC; MPS III C. Identifiers: Orphanet 581, Orphanet 79271, MedGen C0086649, MONDO:0009657, OMIM 252930.
Retinitis pigmentosa 73 (RP73). Identifiers: Orphanet 791, MedGen C4225287, MONDO:0014687, OMIM 616544.

Allele frequency attached by ClinVar (database versions not stated): ExAC 0.00004; gnomAD exomes 0.00001 and 0.00004; TOPMed 0.00002; gnomAD 0.00001.
gnomAD v4.1: 23 of 1,613,656 alleles (0.0014%); highest among the groups gnomAD compares: Admixed American, 0.017%; no homozygotes.

Submissions (5):

Ambry Genetics
Classification: Uncertain significance for Inborn genetic diseases. Last evaluated: 2025-04-10. Review status: criteria provided, single submitter. Criteria: Ambry Variant Classification Scheme 2023. Collection method: clinical testing. Allele origin: germline.

Labcorp Genetics (formerly Invitae), Labcorp
Classification: Uncertain significance for Retinitis pigmentosa 73; Mucopolysaccharidosis, MPS-III-C. Last evaluated: 2024-10-29. Review status: criteria provided, single submitter. Criteria: Invitae Variant Classification Sherloc (09022015). Collection method: clinical testing. Allele origin: germline.
Comment: This sequence change replaces serine, which is neutral and polar, with tyrosine, which is neutral and polar, at codon 109 of the HGSNAT protein (p.Ser109Tyr). This variant is present in population databases (rs768887468, gnomAD 0.02%). This variant has not been reported in the literature in individuals affected with HGSNAT-related conditions. ClinVar contains an entry for this variant (Variation ID: 850055). Invitae Evidence Modeling of protein sequence and biophysical properties (such as structural, functional, and spatial information, amino acid conservation, physicochemical variation, residue mobility, and thermodynamic stability) indicates that this missense variant is not expected to disrupt HGSNAT protein function with a negative predictive value of 95%. In summary, the available evidence is currently insufficient to determine the role of this variant in disease. Therefore, it has been classified as a Variant of Uncertain Significance.

GeneDx
Classification: Uncertain significance. Last evaluated: 2023-12-12. Review status: criteria provided, single submitter. Criteria: GeneDx Variant Classification Process June 2021. Collection method: clinical testing. Allele origin: germline. Affected: yes.
Comment: Has not been previously published as pathogenic or benign to our knowledge; In silico analysis supports that this missense variant does not alter protein structure/function

Blueprint Genetics
Classification: Uncertain significance. Last evaluated: 2021-09-21. Review status: criteria provided, single submitter. Criteria: ACMG Guidelines, 2015. Collection method: clinical testing. Allele origin: germline.

Natera, Inc.
Classification: Uncertain significance for Mucopolysaccharidosis type IIIC. Last evaluated: 2020-02-13. Review status: no assertion criteria provided. Collection method: clinical testing. Allele origin: germline. Not counted in ClinVar's aggregate classification.

NM_152419.3(HGSNAT):c.326C>A (p.Ser109Tyr)

Gene: HGSNAT (heparan-alpha-glucosaminide N-acetyltransferase; plus strand). Cytogenetic location: 8p11.21.
Variant type: single nucleotide variant.
Coding change: c.326C>A on transcript NM_152419.3 (MANE Select); coding-DNA position 326, C replaced by A.
Protein change: p.Ser109Tyr; replaces serine 109 with tyrosine.
Molecular consequence: missense variant. On other transcripts: 5 prime UTR variant (1).
Genome position (GRCh38, 1-based): chr8:43,158,666, C>A. VCF-style: chr8-43158666-C-A. GRCh37 (hg19) VCF-style: chr8-43013809-C-A.
Other names: c.326C>A, p.Ser109Tyr (NM_001363227.2, NM_001363228.2); c.-508C>A (NM_001363229.2); short protein forms S109Y.
Identifiers: ClinVar variation 850055 (VCV000850055.8), dbSNP rs768887468, ClinGen allele CA4736482.